The following is an entry in ClinVar:

NM_020843.4(SCAPER):c.2836G>C (p.Glu946Gln)

Gene: SCAPER (S-phase cyclin A associated protein in the ER; minus strand). Cytogenetic location: 15q24.3.
Variant type: single nucleotide variant.
Coding change: c.2836G>C on transcript NM_020843.4 (MANE Select); coding-DNA position 2836, G replaced by C.
Protein change: p.Glu946Gln; replaces glutamic acid 946 with glutamine.
Molecular consequence: missense variant. On other transcripts: non-coding transcript variant (1).
Genome position (GRCh38, 1-based): chr15:76,574,160, C>G on the plus strand (G>C on the coding strand, the complement: SCAPER is on the minus strand). VCF-style: chr15-76574160-C-G. GRCh37 (hg19) VCF-style: chr15-76866501-C-G.
Other names: c.2098G>C, p.Glu700Gln (NM_001145923.2); c.2854G>C, p.Glu952Gln (NM_001353009.2); c.2434G>C, p.Glu812Gln (NM_001353010.2, NM_001353012.2); c.2452G>C, p.Glu818Gln (NM_001353011.2); short protein forms E812Q, E946Q, E818Q, E700Q, E952Q.
Identifiers: ClinVar variation 4996797 (VCV004996797.1).

ClinVar aggregate classification (germline): Uncertain significance (1 of 4 stars; one submission).

Conditions:
SCAPER-related disorder. Also called: SCAPER-related condition.

gnomAD v4.1: 2 of 1,600,594 alleles (0.00012%); highest among the groups gnomAD compares: Non-Finnish European, 0.00017%; no homozygotes.

Submission:

PreventionGenetics, part of Exact Sciences
Classification: Uncertain significance for SCAPER-related condition. Last evaluated: 2025-03-31. Review status: criteria provided, single submitter. Criteria: ACMG Guidelines, 2015. Collection method: clinical testing. Allele origin: germline.
Comment: The SCAPER c.2854G>C variant is predicted to result in the amino acid substitution p.Glu952Gln. To our knowledge, this variant has not been reported in the literature or in a large population database (gnomAD), indicating this variant is rare. At this time, the clinical significance of this variant is uncertain due to the absence of conclusive functional and genetic evidence.